The following is an entry in ClinVar:

ClinVar aggregate classification (germline): Conflicting classifications of pathogenicity. Review status: criteria provided, conflicting classifications (1 of 4 stars). 2 submissions from 2 submitters: Likely pathogenic (1); Uncertain significance (1). Last evaluated 2024-10-31.

Conditions:
Houge-Janssens syndrome 3. Also called: NEURODEVELOPMENTAL DISORDER AND LANGUAGE DELAY WITH OR WITHOUT STRUCTURAL BRAIN ABNORMALITIES. Identifiers: MedGen C5193048, MONDO:0032697, OMIM 618354.

Submissions (2):

Greenwood Genetic Center Diagnostic Laboratories, Greenwood Genetic Center
Classification: Uncertain significance. Last evaluated: 2024-10-31. Review status: criteria provided, single submitter. Criteria: ACMG Guidelines, 2015. Collection method: clinical testing. Allele origin: germline. Affected: yes.
Comment: PM2, PM5_Supporting, PP2, PP3

Institute of Human Genetics, University of Leipzig Medical Center
Classification: Likely pathogenic for Houge-Janssens syndrome 3. Last evaluated: 2024-10-17. Review status: criteria provided, single submitter. Criteria: ACMG Guidelines, 2015. Collection method: clinical testing. Allele origin: unknown. Inheritance: Autosomal dominant inheritance. Affected: yes.
Comment: Criteria applied: PM5_STR,PM2,PP2

NM_002715.4(PPP2CA):c.668A>G (p.Asp223Gly)

Gene: PPP2CA (protein phosphatase 2 catalytic subunit alpha; minus strand). Cytogenetic location: 5q31.1.
Variant type: single nucleotide variant.
Coding change: c.668A>G on transcript NM_002715.4 (MANE Select); coding-DNA position 668, A replaced by G.
Protein change: p.Asp223Gly; replaces aspartic acid 223 with glycine.
Molecular consequence: missense variant. On other transcripts: non-coding transcript variant (1).
Genome position (GRCh38, 1-based): chr5:134,200,405, T>C on the plus strand (A>G on the coding strand, the complement: PPP2CA is on the minus strand). VCF-style: chr5-134200405-T-C. GRCh37 (hg19) VCF-style: chr5-133536096-T-C.
Other names: c.473A>G, p.Asp158Gly (NM_001355019.2); short protein forms D158G, D223G.
Identifiers: ClinVar variation 3376140 (VCV003376140.4).